The following is an entry in ClinVar:

NM_024757.5(EHMT1):c.3352C>T (p.Arg1118Cys)

Gene: EHMT1 (euchromatic histone lysine methyltransferase 1; plus strand). Cytogenetic location: 9q34.3.
Variant type: single nucleotide variant.
Coding change: c.3352C>T on transcript NM_024757.5 (MANE Select); coding-DNA position 3352, C replaced by T.
Protein change: p.Arg1118Cys; replaces arginine 1118 with cysteine.
Molecular consequence: missense variant.
Genome position (GRCh38, 1-based): chr9:137,816,040, C>T. VCF-style: chr9-137816040-C-T. GRCh37 (hg19) VCF-style: chr9-140710492-C-T.
Other names: c.3331C>T, p.Arg1111Cys (NM_001354263.2); short protein forms R1118C, R1111C.
Identifiers: ClinVar variation 588196 (VCV000588196.5), dbSNP rs573020258, ClinGen allele CA375796857.

ClinVar aggregate classification (germline): Uncertain significance (1 of 4 stars; one submission).

Conditions:
Inborn genetic diseases. Identifiers: MedGen C0950123, MeSH D030342.

Allele frequency attached by ClinVar (database versions not stated): gnomAD exomes below 0.00001.
gnomAD v4.1: 4 of 1,612,624 alleles (0.00025%); highest among the groups gnomAD compares: South Asian, 0.0011%; no homozygotes.

Submission:

Ambry Genetics
Classification: Uncertain significance for Inborn genetic diseases. Last evaluated: 2016-08-24. Review status: criteria provided, single submitter. Criteria: Ambry Variant Classification Scheme 2023. Collection method: clinical testing. Allele origin: germline.
Comment: The p.R1118C variant (also known as c.3352C>T), located in coding exon 23 of the EHMT1 gene, results from a C to T substitution at nucleotide position 3352. The arginine at codon 1118 is replaced by cysteine, an amino acid with highly dissimilar properties. This variant was not reported in population based cohorts in the following databases: Database of Single Nucleotide Polymorphisms (dbSNP), NHLBI Exome Sequencing Project (ESP), and 1000 Genomes Project. In the ESP, this variant was not observed in 6503 samples (13006 alleles) with coverage at this position. This amino acid position is highly conserved in available vertebrate species. In addition, this alteration is predicted to be deleterious by in silico analysis. Since supporting evidence is limited at this time, the clinical significance of this variant remains unclear.